The following is an entry in ClinVar:

NM_199242.3(UNC13D):c.570-60T>G

Gene: UNC13D (unc-13 homolog D; minus strand). Cytogenetic location: 17q25.1.
Variant type: single nucleotide variant.
Coding change: c.570-60T>G on transcript NM_199242.3 (MANE Select); 60 bases into the intron before coding-DNA position 570, T replaced by G.
Molecular consequence: intron variant.
Genome position (GRCh38, 1-based): chr17:75,841,061, A>C on the plus strand (T>G on the coding strand, the complement: UNC13D is on the minus strand). VCF-style: chr17-75841061-A-C. GRCh37 (hg19) VCF-style: chr17-73837142-A-C.
Identifiers: ClinVar variation 1249408 (VCV001249408.5), dbSNP rs8067076, ClinGen allele CA14387404.

ClinVar aggregate classification (germline): Benign. Review status: criteria provided, multiple submitters, no conflicts (2 of 4 stars). 3 submissions from 3 submitters: Benign (3). Last evaluated 2023-11-12.

Allele frequency attached by ClinVar (database versions not stated): ESP Exome Variant Server 0.48576; TOPMed 0.49154; 1000 Genomes Project 0.50200; 1000 Genomes Project 30x 0.50984.
gnomAD v4.1: 564,043 of 1,603,944 alleles (35%); highest among the groups gnomAD compares: African/African-American, 84%; 109,911 homozygotes.

Submissions (3):

Unidad de Genómica Garrahan, Hospital de Pediatría Garrahan
Classification: Benign. Last evaluated: 2023-11-12. Review status: criteria provided, single submitter. Criteria: ACMG Guidelines, 2015. Collection method: clinical testing. Allele origin: germline. Affected: no. Observed: 33 variant alleles.
Comment: This variant is classified as Benign based on local population frequency. This variant was detected in 34% of patients studied by a panel of primary immunodeficiencies. Number of patients: 33. Only high quality variants are reported.

GeneDx
Classification: Benign. Last evaluated: 2018-11-12. Review status: criteria provided, single submitter. Criteria: GeneDx Variant Classification Process June 2021. Collection method: clinical testing. Allele origin: germline. Affected: yes.

Breakthrough Genomics
Classification: Benign. Review status: criteria provided, single submitter. Criteria: ACMG Guidelines, 2015. Collection method: not provided. Allele origin: germline. Inheritance: Autosomal recessive inheritance. Affected: yes.